The following is an entry in ClinVar:

ClinVar aggregate classification (germline): Uncertain significance (1 of 4 stars; one submission).

Allele frequency attached by ClinVar (database versions not stated): ExAC 0.00001; ESP Exome Variant Server 0.00008.

Submission:

Labcorp Genetics (formerly Invitae), Labcorp
Classification: Uncertain significance. Last evaluated: 2023-07-25. Review status: criteria provided, single submitter. Criteria: Invitae Variant Classification Sherloc (09022015). Collection method: clinical testing. Allele origin: germline.
Comment: This sequence change replaces tyrosine, which is neutral and polar, with cysteine, which is neutral and slightly polar, at codon 311 of the COL7A1 protein (p.Tyr311Cys). This variant is not present in population databases (gnomAD no frequency). This variant has not been reported in the literature in individuals affected with COL7A1-related conditions. Advanced modeling of protein sequence and biophysical properties (such as structural, functional, and spatial information, amino acid conservation, physicochemical variation, residue mobility, and thermodynamic stability) performed at Invitae indicates that this missense variant is expected to disrupt COL7A1 protein function. In summary, the available evidence is currently insufficient to determine the role of this variant in disease. Therefore, it has been classified as a Variant of Uncertain Significance.

NM_000094.4(COL7A1):c.932A>G (p.Tyr311Cys)

Gene: COL7A1 (collagen type VII alpha 1 chain; minus strand). Cytogenetic location: 3p21.31.
Variant type: single nucleotide variant.
Coding change: c.932A>G on transcript NM_000094.4 (MANE Select); coding-DNA position 932, A replaced by G.
Protein change: p.Tyr311Cys; replaces tyrosine 311 with cysteine.
Molecular consequence: missense variant.
Genome position (GRCh38, 1-based): chr3:48,592,614, T>C on the plus strand (A>G on the coding strand, the complement: COL7A1 is on the minus strand). VCF-style: chr3-48592614-T-C. GRCh37 (hg19) VCF-style: chr3-48630047-T-C.
Other names: short protein forms Y311C.
Identifiers: ClinVar variation 2798870 (VCV002798870.3), dbSNP rs138772308, ClinGen allele CA2381400.
Genomic context (GRCh38, chr3:48,592,614, plus strand): 5'-TGGCAGAATTGCTCACTGGTCCGAGCTGTCCCGCTCACAGCCTCCCCGATGCTGTTGGCG[T>C]AGAGGGCAATCACAGTCACTTGGTACTCGGTCAGTGGCCGGAGACCCCGCAGCCGCACAC-3'
Protein context (NP_000085.1, residues 301-321): TEYQVTVIAL[Tyr311Cys]ANSIGEAVSG